The following is an entry in ClinVar:

NM_004168.4(SDHA):c.1330G>A (p.Ala444Thr)

Gene: SDHA (succinate dehydrogenase complex flavoprotein subunit A; plus strand). Cytogenetic location: 5p15.33.
Variant type: single nucleotide variant.
Coding change: c.1330G>A on transcript NM_004168.4 (MANE Select); coding-DNA position 1330, G replaced by A.
Protein change: p.Ala444Thr; replaces alanine 444 with threonine.
Molecular consequence: missense variant.
Genome position (GRCh38, 1-based): chr5:236,497, G>A. VCF-style: chr5-236497-G-A. GRCh37 (hg19) VCF-style: chr5-236612-G-A.
Other names: c.1186G>A, p.Ala396Thr (NM_001294332.2); c.1330G>A, p.Ala444Thr (NM_001330758.2); short protein forms A396T, A444T.
Identifiers: ClinVar variation 2951374 (VCV002951374.3), dbSNP rs2477375471, ClinGen allele CA359013942.

ClinVar aggregate classification (germline): Uncertain significance (1 of 4 stars; one submission).

Conditions:
Mitochondrial complex II deficiency, nuclear type 1. Also called: SUCCINATE CoQ REDUCTASE DEFICIENCY. Identifiers: Orphanet 3208, MedGen C5700310, MONDO:0100294, OMIM 252011.
Pheochromocytoma/paraganglioma syndrome 5. Also called: Paragangliomas 5; SDHA-Related Hereditary Paraganglioma-Pheochromocytoma Syndrome. Identifiers: Orphanet 29072, MedGen C3279992, MONDO:0013602, OMIM 614165.

Allele frequency attached by ClinVar (database versions not stated): gnomAD exomes below 0.00001.
gnomAD v4.1: 1 of 1,614,012 alleles (0.000062%); highest among the groups gnomAD compares: Non-Finnish European, 0.000085%; no homozygotes.

Submission:

Labcorp Genetics (formerly Invitae), Labcorp
Classification: Uncertain significance for Pheochromocytoma/paraganglioma syndrome 5; Mitochondrial complex II deficiency, nuclear type 1. Last evaluated: 2023-08-28. Review status: criteria provided, single submitter. Criteria: Invitae Variant Classification Sherloc (09022015). Collection method: clinical testing. Allele origin: germline.
Comment: In summary, the available evidence is currently insufficient to determine the role of this variant in disease. Therefore, it has been classified as a Variant of Uncertain Significance. Advanced modeling of protein sequence and biophysical properties (such as structural, functional, and spatial information, amino acid conservation, physicochemical variation, residue mobility, and thermodynamic stability) performed at Invitae indicates that this missense variant is not expected to disrupt SDHA protein function. This variant has not been reported in the literature in individuals affected with SDHA-related conditions. This variant is not present in population databases (gnomAD no frequency). This sequence change replaces alanine, which is neutral and non-polar, with threonine, which is neutral and polar, at codon 444 of the SDHA protein (p.Ala444Thr).